The following is an entry in ClinVar:

NM_170675.5(MEIS2):c.1312A>G (p.Met438Val)

Gene: MEIS2 (Meis homeobox 2; minus strand). Cytogenetic location: 15q14.
Variant type: single nucleotide variant.
Coding change: c.1312A>G on transcript NM_170675.5 (MANE Select); coding-DNA position 1312, A replaced by G.
Protein change: p.Met438Val; replaces methionine 438 with valine.
Molecular consequence: missense variant. On other transcripts: 3 prime UTR variant (5), non-coding transcript variant (1).
Genome position (GRCh38, 1-based): chr15:36,892,295, T>C on the plus strand (A>G on the coding strand, the complement: MEIS2 is on the minus strand). VCF-style: chr15-36892295-T-C. GRCh37 (hg19) VCF-style: chr15-37184496-T-C.
Other names: c.1291A>G, p.Met431Val (NM_001220482.2, NM_170676.5); c.*202A>G (NM_002399.4, NM_170674.5, NM_170677.5 and 2 more transcripts); c.1312A>G (NM_170675.4); short protein forms M431V, M438V.
Identifiers: ClinVar variation 3394909 (VCV003394909.2).

ClinVar aggregate classification (germline): Likely benign. Review status: criteria provided, multiple submitters, no conflicts (2 of 4 stars). 2 submissions from 2 submitters: Likely benign (2). Last evaluated 2026-02-28.

Conditions:
Inborn genetic diseases. Identifiers: MedGen C0950123, MeSH D030342.
MEIS2-related disorder.

gnomAD v4.1: 68 of 1,613,894 alleles (0.0042%); highest among the groups gnomAD compares: African/African-American, 0.077%; no homozygotes.

Submissions (2):

PreventionGenetics, part of Exact Sciences
Classification: Likely benign for MEIS2-related condition. Last evaluated: 2026-02-28. Review status: criteria provided, single submitter. Criteria: ACMG Guidelines, 2015. Collection method: clinical testing. Allele origin: germline.
Comment: This variant is classified as likely benign based on ACMG/AMP sequence variant interpretation guidelines (Richards et al. 2015 PMID: 25741868, with internal and published modifications).

Ambry Genetics
Classification: Likely benign for Inborn genetic diseases. Last evaluated: 2024-08-11. Review status: criteria provided, single submitter. Criteria: Ambry Variant Classification Scheme 2023. Collection method: clinical testing. Allele origin: germline.